The following is an entry in ClinVar:

NM_013382.7(POMT2):c.160G>T (p.Ala54Ser)

Gene: POMT2 (protein O-mannosyltransferase 2; minus strand). Cytogenetic location: 14q24.3.
Variant type: single nucleotide variant.
Coding change: c.160G>T on transcript NM_013382.7 (MANE Select); coding-DNA position 160, G replaced by T.
Protein change: p.Ala54Ser; replaces alanine 54 with serine.
Molecular consequence: missense variant.
Genome position (GRCh38, 1-based): chr14:77,320,522, C>A on the plus strand (G>T on the coding strand, the complement: POMT2 is on the minus strand). VCF-style: chr14-77320522-C-A. GRCh37 (hg19) VCF-style: chr14-77786865-C-A.
Other names: short protein forms A54S.
Identifiers: ClinVar variation 572185 (VCV000572185.6), dbSNP rs1239345534, ClinGen allele CA390504542.

ClinVar aggregate classification (germline): Uncertain significance (1 of 4 stars; one submission).

Conditions:
Muscular dystrophy-dystroglycanopathy (congenital with impaired intellectual development), type B, 2. Also called: Muscular dystrophy-dystroglycanopathy (congenital with intellectual disability), type B2; MUSCULAR DYSTROPHY, CONGENITAL, POMT2-RELATED. Identifiers: MedGen C3150416, MONDO:0013160, OMIM 613156.
Autosomal recessive limb-girdle muscular dystrophy type 2N. Also called: Muscular dystrophy-dystroglycanopathy (limb-girdle), type C, 2; MUSCULAR DYSTROPHY-DYSTROGLYCANOPATHY, LIMB-GIRDLE, POMT2-RELATED. Identifiers: Orphanet 206559, MedGen C3150418, MONDO:0013162, OMIM 613158.
Muscular dystrophy-dystroglycanopathy (congenital with brain and eye anomalies), type A2. Also called: MUSCULAR DYSTROPHY-DYSTROGLYCANOPATHY (CONGENITAL WITH BRAIN AND EYE ANOMALIES), TYPE A, 2; WALKER-WARBURG SYNDROME OR MUSCLE-EYE-BRAIN DISEASE, POMT2-RELATED. Identifiers: Orphanet 588, Orphanet 899, MedGen C3150411, MONDO:0013154, OMIM 613150.

Allele frequency attached by ClinVar (database versions not stated): TOPMed 0.00001; gnomAD 0.00001.
gnomAD v4.1: 2 of 1,555,160 alleles (0.00013%); highest among the groups gnomAD compares: Non-Finnish European, 0.00017%; no homozygotes.

Submission:

Labcorp Genetics (formerly Invitae), Labcorp
Classification: Uncertain significance for Muscular dystrophy-dystroglycanopathy (congenital with impaired intellectual development), type B, 2; Muscular dystrophy-dystroglycanopathy (congenital with brain and eye anomalies), type A2; Autosomal recessive limb-girdle muscular dystrophy type 2N. Last evaluated: 2022-02-03. Review status: criteria provided, single submitter. Criteria: Invitae Variant Classification Sherloc (09022015). Collection method: clinical testing. Allele origin: germline.
Comment: This sequence change replaces alanine, which is neutral and non-polar, with serine, which is neutral and polar, at codon 54 of the POMT2 protein (p.Ala54Ser). This variant is present in population databases (no rsID available, gnomAD 0.01%). This variant has not been reported in the literature in individuals affected with POMT2-related conditions. ClinVar contains an entry for this variant (Variation ID: 572185). Algorithms developed to predict the effect of missense changes on protein structure and function (SIFT, PolyPhen-2, Align-GVGD) all suggest that this variant is likely to be tolerated. In summary, the available evidence is currently insufficient to determine the role of this variant in disease. Therefore, it has been classified as a Variant of Uncertain Significance.